The following is an entry in ClinVar:

ClinVar aggregate classification (germline): Conflicting classifications of pathogenicity. Review status: criteria provided, conflicting classifications (1 of 4 stars). 2 submissions from 2 submitters: Uncertain significance (1); Likely benign (1). Last evaluated 2020-12-01.

Conditions:
Lynch syndrome. Identifiers: Orphanet 144, MedGen C4552100, MONDO:0005835. Disease mechanism: loss of function.
Hereditary cancer-predisposing syndrome. Also called: Neoplastic Syndromes, Hereditary; Hereditary neoplastic syndrome; Tumor predisposition; Hereditary Cancer Syndrome. Identifiers: Orphanet 140162, MedGen C0027672, MeSH D009386, MONDO:0015356.

Submissions (2):

Ambry Genetics
Classification: Uncertain significance for Hereditary cancer-predisposing syndrome. Last evaluated: 2020-12-01. Review status: criteria provided, single submitter. Criteria: Ambry Variant Classification Scheme 2023. Collection method: clinical testing. Allele origin: germline.
Comment: The p.V304A variant (also known as c.911T>C), located in coding exon 4 of the MSH6 gene, results from a T to C substitution at nucleotide position 911. The valine at codon 304 is replaced by alanine, an amino acid with similar properties. This amino acid position is poorly conserved in available vertebrate species. In addition, this alteration is predicted to be tolerated by in silico analysis. Since supporting evidence is limited at this time, the clinical significance of this alteration remains unclear.

University of Washington Department of Laboratory Medicine, University of Washington
Classification: Likely benign for Lynch syndrome. Last evaluated: 2018-05-01. Review status: criteria provided, single submitter. Criteria: Shirts BH et al. (Am J Hum Genet 2018). Collection method: clinical testing. Allele origin: somatic. Affected: yes.
Comment: MSH6 NM_000179.2:c.911T>C has a 1.8% probability of pathogenicity based on combining prior probability from public data with a likelihood ratio of 0.16 to 1, generated from evidence of seeing this as a somatic mutation in a tumor with loss of heterozygosity at the MSH6 locus. See Shirts et al 2018, PMID 29887214.

Literature cited by the submitters: PubMed 29887214 (cited by Ambry Genetics).

NM_000179.3(MSH6):c.911T>C (p.Val304Ala)

Gene: MSH6 (mutS homolog 6; plus strand). Cytogenetic location: 2p16.3.
Variant type: single nucleotide variant.
Coding change: c.911T>C on transcript NM_000179.3 (MANE Select); coding-DNA position 911, T replaced by C.
Protein change: p.Val304Ala; replaces valine 304 with alanine.
Molecular consequence: missense variant.
Genome position (GRCh38, 1-based): chr2:47,798,894, T>C. VCF-style: chr2-47798894-T-C. GRCh37 (hg19) VCF-style: chr2-48026033-T-C.
Other names: c.521T>C, p.Val174Ala (NM_001281492.2); c.5T>C, p.Val2Ala (NM_001281493.2, NM_001281494.2); short protein forms V304A, V174A, V2A.
Identifiers: ClinVar variation 619532 (VCV000619532.4), dbSNP rs1481054050, ClinGen allele CA346740720.